The following is an entry in ClinVar:

ClinVar aggregate classification (germline): Conflicting classifications of pathogenicity. Review status: criteria provided, conflicting classifications (1 of 4 stars). 2 submissions from 2 submitters: Uncertain significance (1); Likely benign (1). Last evaluated 2024-12-31.

Conditions:
Inborn genetic diseases. Identifiers: MedGen C0950123, MeSH D030342.
Congenital myasthenic syndrome 10. Also called: Myasthenia, limb-girdle, familial. Identifiers: Orphanet 590, MedGen C1850792, MONDO:0009690, OMIM 254300.
Fetal akinesia deformation sequence 3. Identifiers: MedGen C4760599, MONDO:0100103, OMIM 618389.
Fetal akinesia deformation sequence 1 (FADS1). Also called: Pena-Shokeir syndrome type I; Fetal akinesia sequence. Identifiers: Orphanet 994, MedGen C1276035, MONDO:0100101, OMIM 208150, HP:0001989.

gnomAD v4.1: 31 of 1,574,622 alleles (0.002%); highest among the groups gnomAD compares: Non-Finnish European, 0.0025%; no homozygotes.

Submissions (2):

Ambry Genetics
Classification: Likely benign for Inborn genetic diseases. Last evaluated: 2024-12-31. Review status: criteria provided, single submitter. Criteria: Ambry Variant Classification Scheme 2023. Collection method: clinical testing. Allele origin: germline.

Labcorp Genetics (formerly Invitae), Labcorp
Classification: Uncertain significance for Congenital myasthenic syndrome 10; Fetal akinesia deformation sequence 1. Last evaluated: 2024-10-28. Review status: criteria provided, single submitter. Criteria: Invitae Variant Classification Sherloc (09022015). Collection method: clinical testing. Allele origin: germline.
Comment: This sequence change replaces alanine, which is neutral and non-polar, with proline, which is neutral and non-polar, at codon 307 of the DOK7 protein (p.Ala307Pro). This variant is present in population databases (no rsID available, gnomAD 0.001%). This variant has not been reported in the literature in individuals affected with DOK7-related conditions. ClinVar contains an entry for this variant (Variation ID: 1047586). Invitae Evidence Modeling of protein sequence and biophysical properties (such as structural, functional, and spatial information, amino acid conservation, physicochemical variation, residue mobility, and thermodynamic stability) indicates that this missense variant is not expected to disrupt DOK7 protein function with a negative predictive value of 80%. In summary, the available evidence is currently insufficient to determine the role of this variant in disease. Therefore, it has been classified as a Variant of Uncertain Significance.

NM_173660.5(DOK7):c.919G>C (p.Ala307Pro)

Gene: DOK7 (docking protein 7; plus strand). Cytogenetic location: 4p16.3.
Variant type: single nucleotide variant.
Coding change: c.919G>C on transcript NM_173660.5 (MANE Select); coding-DNA position 919, G replaced by C.
Protein change: p.Ala307Pro; replaces alanine 307 with proline.
Molecular consequence: missense variant. On other transcripts: 3 prime UTR variant (1), 5 prime UTR variant (1).
Genome position (GRCh38, 1-based): chr4:3,492,905, G>C. VCF-style: chr4-3492905-G-C. GRCh37 (hg19) VCF-style: chr4-3494632-G-C.
Other names: c.*140G>C (NM_001164673.2); c.-12G>C (NM_001256896.2); c.919G>C, p.Ala307Pro (NM_001301071.2); c.487G>C, p.Ala163Pro (NM_001363811.2); short protein forms A307P, A163P.
Identifiers: ClinVar variation 1047586 (VCV001047586.12), dbSNP rs150415034, ClinGen allele CA356116347.
Genomic context (GRCh38, chr4:3,492,905, plus strand): 5'-CAATCCTCGTCGTCAGCCAGCACGTCACAGGAGGGGCCTAGACCAGCAGCTGCCCAGGCC[G>C]CCGGGGAAGCCATGGTGGGTGCCTCAAGGCCACCCCCCAAGCCGCTGCGTCCGCGGCAGC-3'
Protein context (NP_775931.3, residues 297-317): EGPRPAAAQA[Ala307Pro]GEAMVGASRP